The following is an entry in ClinVar:

NM_002473.6(MYH9):c.5277C>T (p.Ile1759=)

Gene: MYH9 (myosin heavy chain 9; minus strand). Cytogenetic location: 22q12.3.
Variant type: single nucleotide variant.
Coding change: c.5277C>T on transcript NM_002473.6 (MANE Select); coding-DNA position 5277, C replaced by T.
Protein change: p.Ile1759=; no amino-acid change (isoleucine 1759 retained).
Molecular consequence: synonymous variant.
Genome position (GRCh38, 1-based): chr22:36,285,327, G>A on the plus strand (C>T on the coding strand, the complement: MYH9 is on the minus strand). VCF-style: chr22-36285327-G-A. GRCh37 (hg19) VCF-style: chr22-36681373-G-A.
Other names: p.Ile1759=.
Identifiers: ClinVar variation 258755 (VCV000258755.27), dbSNP rs183105164, ClinGen allele CA10209090.

ClinVar aggregate classification (germline): Benign/Likely benign. Review status: criteria provided, multiple submitters, no conflicts (2 of 4 stars). 11 submissions from 11 submitters: Benign (1); Likely benign (10). Last evaluated 2026-07-01.

Conditions:
Inborn genetic diseases. Identifiers: MedGen C0950123, MeSH D030342.

Allele frequency attached by ClinVar (database versions not stated): gnomAD 0.00011; 1000 Genomes Project 0.00020; TOPMed 0.00025; 1000 Genomes Project 30x 0.00031.
gnomAD v4.1: 187 of 1,608,508 alleles (0.012%); highest among the groups gnomAD compares: Admixed American, 0.3%; no homozygotes.

Submissions (11):

CeGaT Center for Human Genetics Tuebingen
Classification: Likely benign. Last evaluated: 2026-07-01. Review status: criteria provided, single submitter. Criteria: CeGaT Center For Human Genetics Tuebingen Variant Classification Criteria Version 2. Collection method: clinical testing. Allele origin: germline. Affected: yes. Observed: 1 variant allele.
Comment: MYH9: BP4, BP7, BS1

Women's Health and Genetics/Laboratory Corporation of America, LabCorp
Classification: Likely benign. Last evaluated: 2026-06-11. Review status: criteria provided, single submitter. Criteria: LabCorp Variant Classification Summary - May 2015. Collection method: clinical testing. Allele origin: germline.
Comment: Variant summary: MYH9 c.5277C>T (p.Ile1759Ile) alters a conserved nucleotide located close to a canonical splice site and therefore could affect mRNA splicing, leading to a significantly altered protein sequence. Consensus agreement among computation tools predict no significant impact on normal splicing. However, these predictions have yet to be confirmed by functional studies. The variant allele was found at a frequency of 0.00063 in 247212 control chromosomes, predominantly at a frequency of 0.0044 within the Latino subpopulation in the gnomAD database. The observed variant frequency within Latino control individuals in the gnomAD database exceeds the estimated maximal expected allele frequency for disease-causing variants in MYH9, providing supporting evidence for a benign role. To our knowledge, no occurrence of c.5277C>T in individuals affected with MYH9-related conditions and no experimental evidence demonstrating its impact on protein function have been reported. ClinVar contains an entry for this variant (Variation ID: 258755). Based on the evidence outlined above, the variant was classified as likely benign.

Labcorp Genetics (formerly Invitae), Labcorp
Classification: Benign. Last evaluated: 2025-12-31. Review status: criteria provided, single submitter. Criteria: Invitae Variant Classification Sherloc (09022015). Collection method: clinical testing. Allele origin: germline.

Mayo Clinic Laboratories, Mayo Clinic
Classification: Likely benign. Last evaluated: 2025-06-30. Review status: criteria provided, single submitter. Criteria: ACMG Guidelines, 2015. Collection method: clinical testing. Allele origin: germline. Observed: 1 variant allele.
Comment: BS1, BP4, BP7

ARUP Laboratories, Molecular Genetics and Genomics, ARUP Laboratories
Classification: Likely benign. Last evaluated: 2024-03-29. Review status: criteria provided, single submitter. Criteria: ARUP Molecular Germline Variant Investigation Process 2024. Collection method: clinical testing. Allele origin: germline.

Blueprint Genetics
Classification: Likely benign. Last evaluated: 2024-02-19. Review status: criteria provided, single submitter. Criteria: ACMG Guidelines, 2015. Collection method: clinical testing. Allele origin: germline.

Ambry Genetics
Classification: Likely benign for Inborn genetic diseases. Last evaluated: 2023-12-20. Review status: criteria provided, single submitter. Criteria: Ambry Variant Classification Scheme 2023. Collection method: clinical testing. Allele origin: germline.

GeneDx
Classification: Likely benign. Last evaluated: 2021-02-16. Review status: criteria provided, single submitter. Criteria: GeneDx Variant Classification Process June 2021. Collection method: clinical testing. Allele origin: germline. Affected: yes.

Genetic Services Laboratory, University of Chicago
Classification: Likely benign. Last evaluated: 2018-04-05. Review status: criteria provided, single submitter. Criteria: ACMG Guidelines, 2015. Collection method: clinical testing. Allele origin: germline. Affected: no.

Laboratory for Molecular Medicine, Mass General Brigham Personalized Medicine
Classification: Likely benign. Last evaluated: 2016-03-21. Review status: criteria provided, single submitter. Criteria: LMM Criteria. Collection method: clinical testing. Allele origin: germline. Observed: 1 variant allele.
Comment: p.Ile1759Ile in exon 38 of MYH9: This variant is not expected to have clinical significance because it has been identified in 0.54% (63/11570) of Latino chromosomes by the Exome Aggregation Consortium (ExAC; dbSNP rs183105164).

PreventionGenetics, part of Exact Sciences
Classification: Likely benign. Review status: criteria provided, single submitter. Criteria: ACMG Guidelines, 2015. Collection method: clinical testing. Allele origin: germline.